The following is an entry in ClinVar:

ClinVar aggregate classification (germline): Uncertain significance. Review status: criteria provided, multiple submitters, no conflicts (2 of 4 stars). 4 submissions from 4 submitters: Uncertain significance (4). Last evaluated 2026-03-27.

Conditions:
Cardiovascular phenotype. Identifiers: MedGen CN230736.
Myofibrillar myopathy 5. Also called: Filaminopathy (type); FILAMINOPATHY, AUTOSOMAL DOMINANT. Identifiers: Orphanet 171445, MedGen C1836050, MONDO:0012289, OMIM 609524.
Distal myopathy with posterior leg and anterior hand involvement. Also called: WILLIAMS DISTAL MYOPATHY. Identifiers: Orphanet 63273, MedGen C3279722, MONDO:0013550, OMIM 614065.
Hypertrophic cardiomyopathy 26. Also called: Cardiomyopathy, familial hypertrophic, 26. Identifiers: Orphanet 75249, MedGen C4310749, MONDO:0014883, OMIM 617047.

gnomAD v4.1: 12 of 1,613,868 alleles (0.00074%); highest among the groups gnomAD compares: Non-Finnish European, 0.00093%; no homozygotes.

Submissions (4):

Molecular Diagnostic Laboratory for Inherited Cardiovascular Disease, Montreal Heart Institute
Classification: Uncertain significance for Cardiovascular phenotype. Last evaluated: 2026-03-27. Review status: criteria provided, single submitter. Criteria: ACMG Guidelines, 2015. Collection method: clinical testing. Allele origin: germline. Affected: yes.
Comment: PM2

GeneDx
Classification: Uncertain significance. Last evaluated: 2024-12-04. Review status: criteria provided, single submitter. Criteria: GeneDx Variant Classification Process June 2021. Collection method: clinical testing. Allele origin: germline. Affected: yes.
Comment: Not observed at significant frequency in large population cohorts (gnomAD); In silico analysis supports that this missense variant has a deleterious effect on protein structure/function; Has not been previously published as pathogenic or benign to our knowledge

Labcorp Genetics (formerly Invitae), Labcorp
Classification: Uncertain significance for Distal myopathy with posterior leg and anterior hand involvement; Myofibrillar myopathy 5; Hypertrophic cardiomyopathy 26. Last evaluated: 2024-07-31. Review status: criteria provided, single submitter. Criteria: Invitae Variant Classification Sherloc (09022015). Collection method: clinical testing. Allele origin: germline.
Comment: This sequence change replaces proline, which is neutral and non-polar, with glutamine, which is neutral and polar, at codon 1163 of the FLNC protein (p.Pro1163Gln). This variant is present in population databases (no rsID available, gnomAD 0.0009%). This variant has not been reported in the literature in individuals affected with FLNC-related conditions. ClinVar contains an entry for this variant (Variation ID: 854948). Advanced modeling of protein sequence and biophysical properties (such as structural, functional, and spatial information, amino acid conservation, physicochemical variation, residue mobility, and thermodynamic stability) has been performed at Invitae for this missense variant, however the output from this modeling did not meet the statistical confidence thresholds required to predict the impact of this variant on FLNC protein function. In summary, the available evidence is currently insufficient to determine the role of this variant in disease. Therefore, it has been classified as a Variant of Uncertain Significance.

Blueprint Genetics
Classification: Uncertain significance. Last evaluated: 2022-02-01. Review status: criteria provided, single submitter. Criteria: ACMG Guidelines, 2015. Collection method: clinical testing. Allele origin: germline.

NM_001458.5(FLNC):c.3488C>A (p.Pro1163Gln)

Gene: FLNC (filamin C; plus strand). Cytogenetic location: 7q32.1.
Variant type: single nucleotide variant.
Coding change: c.3488C>A on transcript NM_001458.5 (MANE Select); coding-DNA position 3488, C replaced by A.
Protein change: p.Pro1163Gln; replaces proline 1163 with glutamine.
Molecular consequence: missense variant.
Genome position (GRCh38, 1-based): chr7:128,844,953, C>A. VCF-style: chr7-128844953-C-A. GRCh37 (hg19) VCF-style: chr7-128485007-C-A.
Other names: c.3488C>A, p.Pro1163Gln (NM_001127487.2); short protein forms P1163Q.
Identifiers: ClinVar variation 854948 (VCV000854948.13), dbSNP rs377489161, ClinGen allele CA369197090.